The following is an entry in ClinVar:

NM_001379500.1(COL18A1):c.1671C>T (p.Ser557=)

Gene: COL18A1 (collagen type XVIII alpha 1 chain; plus strand). Cytogenetic location: 21q22.3.
Variant type: single nucleotide variant.
Coding change: c.1671C>T on transcript NM_001379500.1 (MANE Select); coding-DNA position 1671, C replaced by T.
Protein change: p.Ser557=; no amino-acid change (serine 557 retained).
Molecular consequence: synonymous variant.
Genome position (GRCh38, 1-based): chr21:45,482,022, C>T. VCF-style: chr21-45482022-C-T. GRCh37 (hg19) VCF-style: chr21-46901936-C-T.
Other names: c.2211C>T, p.Ser737= (NM_030582.4); c.2916C>T, p.Ser972= (NM_130444.3); c.2211C>T (NM_030582.3).
Identifiers: ClinVar variation 1416134 (VCV001416134.10), dbSNP rs777320347, ClinGen allele CA10066440.
Genomic context (GRCh38, chr21:45,482,022, plus strand): 5'-GGGACCCCCAGGCCCTCCGGGAAGAGAGGGGCCCCCAGGAAGGACTGGGCAGAAAGGCAG[C>T]CTGGTAAGTCTTCCCTCGAGTCCAGGGTGAGTGGGAACCAGCACCACACCATGTGGCCCG-3'
Protein context (NP_001366429.1, residues 547-567): GPPGRTGQKG[Ser557=]LGEAGAPGHK

ClinVar aggregate classification (germline): Likely benign. Review status: criteria provided, multiple submitters, no conflicts (2 of 4 stars). 3 submissions from 3 submitters: Likely benign (3). Last evaluated 2026-02-06.

Conditions:
COL18A1-related disorder. Also called: COL18A1-related disorders; COL18A1-related condition.

Allele frequency attached by ClinVar (database versions not stated): ExAC 0.00004; gnomAD exomes 0.00007; gnomAD 0.00010; TOPMed 0.00010.
gnomAD v4.1: 128 of 1,612,648 alleles (0.0079%); highest among the groups gnomAD compares: Middle Eastern, 0.033%; no homozygotes.

Submissions (3):

PreventionGenetics, part of Exact Sciences
Classification: Likely benign for COL18A1-related condition. Last evaluated: 2026-02-06. Review status: criteria provided, single submitter. Criteria: ACMG Guidelines, 2015. Collection method: clinical testing. Allele origin: germline.
Comment: This variant is classified as likely benign based on ACMG/AMP sequence variant interpretation guidelines (Richards et al. 2015 PMID: 25741868, with internal and published modifications).

Labcorp Genetics (formerly Invitae), Labcorp
Classification: Likely benign. Last evaluated: 2025-12-26. Review status: criteria provided, single submitter. Criteria: Invitae Variant Classification Sherloc (09022015). Collection method: clinical testing. Allele origin: germline.

Blueprint Genetics
Classification: Likely benign. Last evaluated: 2024-03-04. Review status: criteria provided, single submitter. Criteria: ACMG Guidelines, 2015. Collection method: clinical testing. Allele origin: germline.